The following is an entry in ClinVar:

ClinVar aggregate classification (germline): Uncertain significance (1 of 4 stars; one submission).

Conditions:
Hereditary cancer-predisposing syndrome. Also called: Neoplastic Syndromes, Hereditary; Tumor predisposition; Hereditary Cancer Syndrome; Hereditary neoplastic syndrome. Identifiers: Orphanet 140162, MedGen C0027672, MeSH D009386, MONDO:0015356.

Submission:

Ambry Genetics
Classification: Uncertain significance for Hereditary cancer-predisposing syndrome. Last evaluated: 2018-12-03. Review status: criteria provided, single submitter. Criteria: Ambry Variant Classification Scheme 2023. Collection method: clinical testing. Allele origin: germline.
Comment: The p.D663E variant (also known as c.1989T>G), located in coding exon 17 of the MRE11A gene, results from a T to G substitution at nucleotide position 1989. The aspartic acid at codon 663 is replaced by glutamic acid, an amino acid with highly similar properties. This amino acid position is not well conserved in available vertebrate species. In addition, this alteration is predicted to be tolerated by in silico analysis. Since supporting evidence is limited at this time, the clinical significance of this alteration remains unclear.

NM_005591.4(MRE11):c.1989T>G (p.Asp663Glu)

Gene: MRE11 (MRE11 double strand break repair nuclease; minus strand). Cytogenetic location: 11q21.
Variant type: single nucleotide variant.
Coding change: c.1989T>G on transcript NM_005591.4 (MANE Select); coding-DNA position 1989, T replaced by G.
Protein change: p.Asp663Glu; replaces aspartic acid 663 with glutamic acid.
Molecular consequence: missense variant.
Genome position (GRCh38, 1-based): chr11:94,435,837, A>C on the plus strand (T>G on the coding strand, the complement: MRE11 is on the minus strand). VCF-style: chr11-94435837-A-C. GRCh37 (hg19) VCF-style: chr11-94169003-A-C.
Other names: c.1986T>G, p.Asp662Glu (NM_001330347.2); c.1905T>G, p.Asp635Glu (NM_005590.4); short protein forms D635E, D663E, D662E.
Identifiers: ClinVar variation 820454 (VCV000820454.4), dbSNP rs1299222293, ClinGen allele CA382374026.